The following is an entry in ClinVar:

NM_004380.3(CREBBP):c.3089C>T (p.Ser1030Phe)

Gene: CREBBP (CREB binding lysine acetyltransferase; minus strand). Cytogenetic location: 16p13.3.
Variant type: single nucleotide variant.
Coding change: c.3089C>T on transcript NM_004380.3 (MANE Select); coding-DNA position 3089, C replaced by T.
Protein change: p.Ser1030Phe; replaces serine 1030 with phenylalanine.
Molecular consequence: missense variant.
Genome position (GRCh38, 1-based): chr16:3,767,881, G>A on the plus strand (C>T on the coding strand, the complement: CREBBP is on the minus strand). VCF-style: chr16-3767881-G-A. GRCh37 (hg19) VCF-style: chr16-3817882-G-A.
Other names: c.2975C>T, p.Ser992Phe (NM_001079846.1); short protein forms S1030F, S992F.
Identifiers: ClinVar variation 194638 (VCV000194638.17), dbSNP rs757051244, ClinGen allele CA240724.

ClinVar aggregate classification (germline): Conflicting classifications of pathogenicity. Review status: criteria provided, conflicting classifications (1 of 4 stars). 4 submissions from 4 submitters: Uncertain significance (2); Likely benign (1). 1 of the submissions does not count toward it. Last evaluated 2025-07-02.

Conditions:
CREBBP-related disorder. Also called: CREBBP-related condition; CREBBP-related disorders.
Rubinstein-Taybi syndrome (RSTS). Identifiers: Orphanet 783, MedGen C0035934, MONDO:0019188.
Inborn genetic diseases. Identifiers: MedGen C0950123, MeSH D030342.

Allele frequency attached by ClinVar (database versions not stated): ExAC 0.00001; gnomAD exomes 0.00001; gnomAD 0.00010 and 0.00013; TOPMed 0.00020.
gnomAD v4.1: 30 of 1,613,870 alleles (0.0019%); highest among the groups gnomAD compares: Admixed American, 0.033%; no homozygotes.

Submissions (4):

Labcorp Genetics (formerly Invitae), Labcorp
Classification: Likely benign for Rubinstein-Taybi syndrome. Last evaluated: 2025-07-02. Review status: criteria provided, single submitter. Criteria: Invitae Variant Classification Sherloc (09022015). Collection method: clinical testing. Allele origin: germline.

Ambry Genetics
Classification: Uncertain significance for Inborn genetic diseases. Last evaluated: 2016-08-23. Review status: criteria provided, single submitter. Criteria: Ambry Variant Classification Scheme 2023. Collection method: clinical testing. Allele origin: germline.
Comment: The p.S1030F variant (also known as c.3089C>T), located in coding exon 16 of the CREBBP gene, results from a C to T substitution at nucleotide position 3089. The serine at codon 1030 is replaced by phenylalanine, an amino acid with highly dissimilar properties. This amino acid position is well conserved in available vertebrate species. In addition, the in silico prediction for this alteration is inconclusive. Since supporting evidence is limited at this time, the clinical significance of this variant remains unclear.

Eurofins Ntd Llc (ga)
Classification: Uncertain significance. Last evaluated: 2014-05-28. Review status: criteria provided, single submitter. Criteria: EGL Classification Definitions 2015. Collection method: clinical testing. Allele origin: germline. Observed: 2 variant alleles, 2 heterozygotes.

PreventionGenetics, part of Exact Sciences
Classification: Uncertain significance for CREBBP-related condition. Last evaluated: 2024-08-19. Review status: no assertion criteria provided. Collection method: clinical testing. Allele origin: germline. Not counted in ClinVar's aggregate classification.
Comment: The CREBBP c.3089C>T variant is predicted to result in the amino acid substitution p.Ser1030Phe. To our knowledge, this variant has not been reported in the literature. This variant is reported in 0.0085% of alleles in individuals of Latino descent in gnomAD, which may be too frequent to be a primary cause of disease. Although we suspect that this variant could be benign, the clinical significance of this variant is classified as uncertain at this time due to the absence of conclusive functional and genetic evidence.